The following is an entry in ClinVar:

ClinVar aggregate classification (germline): Conflicting classifications of pathogenicity. Review status: criteria provided, conflicting classifications (1 of 4 stars). 4 submissions from 4 submitters: Likely pathogenic (3); Uncertain significance (1). Last evaluated 2024-05-31.

Conditions:
Maple syrup urine disease type 1A (MSUD1A). Also called: MSUD type 1A. Identifiers: MedGen C1855369, MONDO:0023691, OMIM 248600.
Maple syrup urine disease (MSUD). Identifiers: Orphanet 511, MedGen C0024776, MeSH D008375, MONDO:0009563. Disease mechanism: loss of function.

Allele frequency attached by ClinVar (database versions not stated): gnomAD exomes below 0.00001.

Submissions (4):

Fulgent Genetics
Classification: Likely pathogenic for Maple syrup urine disease type 1A. Last evaluated: 2024-05-31. Review status: criteria provided, single submitter. Criteria: ACMG Guidelines, 2015. Collection method: clinical testing. Allele origin: germline.

Women's Health and Genetics/Laboratory Corporation of America, LabCorp
Classification: Likely pathogenic for Maple syrup urine disease. Last evaluated: 2024-05-30. Review status: criteria provided, single submitter. Criteria: LabCorp Variant Classification Summary - May 2015. Collection method: clinical testing. Allele origin: germline.
Comment: Variant summary: BCKDHA c.800A>G (p.Asn267Ser) results in a conservative amino acid change located in the Dehydrogenase, E1 component domain (IPR001017), TPP-binding pocket (Wynn_1998) of the encoded protein sequence. Four of five in-silico tools predict a damaging effect of the variant on protein function. The variant allele was found at a frequency of 4e-06 in 251474 control chromosomes (gnomAD). c.800A>G has been reported in the literature in at least one homozygous individual affected with Maple Syrup Urine Disease (Wynn_1998). These data indicate that the variant may be associated with disease. At least one publication reports experimental evidence evaluating an impact on protein function. The most pronounced variant effect results in <10% of normal activity (Wynn_1998). The following publications have been ascertained in the context of this evaluation (PMID: 7883996, 21844576, 11507102, 9582350, 11069910). ClinVar contains an entry for this variant (Variation ID: 2138298). Based on the evidence outlined above, the variant was classified as likely pathogenic.

Labcorp Genetics (formerly Invitae), Labcorp
Classification: Uncertain significance for Maple syrup urine disease. Last evaluated: 2022-05-16. Review status: criteria provided, single submitter. Criteria: Invitae Variant Classification Sherloc (09022015). Collection method: clinical testing. Allele origin: germline.
Comment: This sequence change replaces asparagine, which is neutral and polar, with serine, which is neutral and polar, at codon 267 of the BCKDHA protein (p.Asn267Ser). This variant is not present in population databases (gnomAD no frequency). This missense change has been observed in individual(s) with maple syrup urine disease (PMID: 9582350). This variant is also known as N222S. Advanced modeling of protein sequence and biophysical properties (such as structural, functional, and spatial information, amino acid conservation, physicochemical variation, residue mobility, and thermodynamic stability) performed at Invitae indicates that this missense variant is expected to disrupt BCKDHA protein function. Experimental studies have shown that this missense change affects BCKDHA function (PMID: 9582350). In summary, the available evidence is currently insufficient to determine the role of this variant in disease. Therefore, it has been classified as a Variant of Uncertain Significance.

Baylor Genetics
Classification: Likely pathogenic for Maple syrup urine disease type 1A. Last evaluated: 2022-02-19. Review status: criteria provided, single submitter. Criteria: ACMG Guidelines, 2015. Collection method: clinical testing. Allele origin: unknown.

Literature cited by the submitters: PubMed 7883996 (cited by Women's Health and Genetics/Laboratory Corporation of America, LabCorp); PubMed 9582350 (cited by Women's Health and Genetics/Laboratory Corporation of America, LabCorp and Labcorp Genetics (formerly Invitae), Labcorp); PubMed 11507102 (cited by Women's Health and Genetics/Laboratory Corporation of America, LabCorp); PubMed 21844576 (cited by Women's Health and Genetics/Laboratory Corporation of America, LabCorp); PubMed 11069910 (cited by Women's Health and Genetics/Laboratory Corporation of America, LabCorp).

NM_000709.4(BCKDHA):c.800A>G (p.Asn267Ser)

Gene: BCKDHA (branched chain keto acid dehydrogenase E1 subunit alpha; plus strand). Cytogenetic location: 19q13.2.
Variant type: single nucleotide variant.
Coding change: c.800A>G on transcript NM_000709.4 (MANE Select); coding-DNA position 800, A replaced by G.
Protein change: p.Asn267Ser; replaces asparagine 267 with serine.
Molecular consequence: missense variant.
Genome position (GRCh38, 1-based): chr19:41,422,317, A>G. VCF-style: chr19-41422317-A-G. GRCh37 (hg19) VCF-style: chr19-41928222-A-G.
Other names: c.800A>G, p.Asn267Ser (NM_001164783.2); short protein forms N267S.
Identifiers: ClinVar variation 2138298 (VCV002138298.4), dbSNP rs1568508047, ClinGen allele CA406012979.